The following is an entry in ClinVar:

ClinVar aggregate classification (germline): Conflicting classifications of pathogenicity. Review status: criteria provided, conflicting classifications (1 of 4 stars). 3 submissions from 3 submitters: Likely pathogenic (2); Uncertain significance (1). Last evaluated 2024-06-07.

Conditions:
PKD1-related disorder. Also called: PKD1-related condition.
Polycystic kidney disease, adult type (PKD1). Also called: POLYCYSTIC KIDNEY DISEASE, ADULT, TYPE I; Polycystic Kidney, Autosomal Dominant; Polycystic Kidney Disease 1, Autosomal Dominant; Polycystic kidney disease 1; Polycystic kidney disease 1, severe; POLYCYSTIC KIDNEY DISEASE 1 WITH OR WITHOUT POLYCYSTIC LIVER DISEASE. Identifiers: MedGen C3149841, MONDO:0008263, OMIM 173900.

Submissions (3):

Fulgent Genetics
Classification: Likely pathogenic for Polycystic kidney disease, adult type. Last evaluated: 2024-06-07. Review status: criteria provided, single submitter. Criteria: ACMG Guidelines, 2015. Collection method: clinical testing. Allele origin: germline.

ARUP Laboratories, Molecular Genetics and Genomics, ARUP Laboratories
Classification: Uncertain significance for Polycystic kidney disease, adult type. Last evaluated: 2019-08-02. Review status: criteria provided, single submitter. Criteria: ARUP Molecular Germline Variant Investigation Process. Collection method: clinical testing. Allele origin: germline.
Comment: The PKD1 c.9201+5G>A variant, to our knowledge, is not reported in the medical literature but is reported in ClinVar (Variation ID: 637003). This variant is absent from general population databases (Exome Variant Server, Genome Aggregation Database), indicating it is not a common polymorphism. This is an intronic variant in a highly conserved nucleotide, and computational analyses (Alamut v.2.11) predict that this variant may impact splicing by weakening the nearby canonical donor splice site. However, given the lack of clinical and functional data, the significance of the c.9201+5G>A variant is uncertain at this time.

Blueprint Genetics
Classification: Likely pathogenic for PKD1-related disorders. Last evaluated: 2019-03-22. Review status: criteria provided, single submitter. Criteria: ACMG Guidelines, 2015. Collection method: clinical testing. Allele origin: germline. Affected: yes. Observed: 1 variant allele.

NM_001009944.3(PKD1):c.9201+5G>A

Gene: PKD1 (polycystin 1, transient receptor potential channel interacting; minus strand). Cytogenetic location: 16p13.3.
Variant type: single nucleotide variant.
Coding change: c.9201+5G>A on transcript NM_001009944.3 (MANE Select); 5 bases into the intron after coding-DNA position 9201, G replaced by A.
Molecular consequence: intron variant.
Genome position (GRCh38, 1-based): chr16:2,102,376, C>T on the plus strand (G>A on the coding strand, the complement: PKD1 is on the minus strand). VCF-style: chr16-2102376-C-T. GRCh37 (hg19) VCF-style: chr16-2152377-C-T.
Other names: c.9201+5G>A (NM_000296.4).
Identifiers: ClinVar variation 637003 (VCV000637003.11), dbSNP rs1596521826, ClinGen allele CA915948996.